The following is an entry in ClinVar:

NM_000273.3(GPR143):c.256G>C (p.Val86Leu)

Gene: GPR143 (G protein-coupled receptor 143; minus strand). Cytogenetic location: Xp22.2.
Variant type: single nucleotide variant.
Coding change: c.256G>C on transcript NM_000273.3 (MANE Select); coding-DNA position 256, G replaced by C.
Protein change: p.Val86Leu; replaces valine 86 with leucine.
Molecular consequence: missense variant.
Genome position (GRCh38, 1-based): chrX:9,760,821, C>G on the plus strand (G>C on the coding strand, the complement: GPR143 is on the minus strand). VCF-style: chrX-9760821-C-G. GRCh37 (hg19) VCF-style: chrX-9728861-C-G.
Other names: short protein forms V86L.
Identifiers: ClinVar variation 2132694 (VCV002132694.4), dbSNP rs771774135, ClinGen allele CA411999323.

ClinVar aggregate classification (germline): Uncertain significance (1 of 4 stars; one submission).

gnomAD v4.1: 1 of 1,075,514 alleles (0.000093%); no homozygotes.

Submission:

Labcorp Genetics (formerly Invitae), Labcorp
Classification: Uncertain significance. Last evaluated: 2022-08-09. Review status: criteria provided, single submitter. Criteria: Invitae Variant Classification Sherloc (09022015). Collection method: clinical testing. Allele origin: germline.
Comment: This sequence change replaces valine, which is neutral and non-polar, with leucine, which is neutral and non-polar, at codon 86 of the GPR143 protein (p.Val86Leu). This variant is present in population databases (no rsID available, gnomAD no frequency). This variant has not been reported in the literature in individuals affected with GPR143-related conditions. Algorithms developed to predict the effect of missense changes on protein structure and function (SIFT, PolyPhen-2, Align-GVGD) all suggest that this variant is likely to be tolerated. In summary, the available evidence is currently insufficient to determine the role of this variant in disease. Therefore, it has been classified as a Variant of Uncertain Significance.